The following is an entry in ClinVar:

NM_030973.4(MED25):c.755C>T (p.Pro252Leu)

Gene: MED25 (mediator complex subunit 25; plus strand). Cytogenetic location: 19q13.33.
Variant type: single nucleotide variant.
Coding change: c.755C>T on transcript NM_030973.4 (MANE Select); coding-DNA position 755, C replaced by T.
Protein change: p.Pro252Leu; replaces proline 252 with leucine.
Molecular consequence: missense variant.
Genome position (GRCh38, 1-based): chr19:49,830,154, C>T. VCF-style: chr19-49830154-C-T. GRCh37 (hg19) VCF-style: chr19-50333411-C-T.
Other names: c.755C>T, p.Pro252Leu (NM_001378355.1); short protein forms P252L.
Identifiers: ClinVar variation 998872 (VCV000998872.10), dbSNP rs2074044376, ClinGen allele CA406914033.

ClinVar aggregate classification (germline): Uncertain significance (1 of 4 stars; one submission).

Conditions:
Charcot-Marie-Tooth disease type 2. Also called: Charcot-Marie-Tooth type 2. Identifiers: Orphanet 64746, MedGen C0270914, MONDO:0018993.

Submission:

Labcorp Genetics (formerly Invitae), Labcorp
Classification: Uncertain significance for Charcot-Marie-Tooth disease type 2. Last evaluated: 2022-09-06. Review status: criteria provided, single submitter. Criteria: Invitae Variant Classification Sherloc (09022015). Collection method: clinical testing. Allele origin: germline.
Comment: ClinVar contains an entry for this variant (Variation ID: 998872). In summary, the available evidence is currently insufficient to determine the role of this variant in disease. Therefore, it has been classified as a Variant of Uncertain Significance. Algorithms developed to predict the effect of missense changes on protein structure and function (SIFT, PolyPhen-2, Align-GVGD) all suggest that this variant is likely to be tolerated. This variant has not been reported in the literature in individuals affected with MED25-related conditions. This variant is not present in population databases (gnomAD no frequency). This sequence change replaces proline, which is neutral and non-polar, with leucine, which is neutral and non-polar, at codon 252 of the MED25 protein (p.Pro252Leu).